The following is an entry in ClinVar:

NM_001013838.3(CARMIL2):c.975C>T (p.Gly325=)

Gene: CARMIL2 (capping protein regulator and myosin 1 linker 2; plus strand). Cytogenetic location: 16q22.1.
Variant type: single nucleotide variant.
Coding change: c.975C>T on transcript NM_001013838.3 (MANE Select); coding-DNA position 975, C replaced by T.
Protein change: p.Gly325=; no amino-acid change (glycine 325 retained).
Molecular consequence: synonymous variant.
Genome position (GRCh38, 1-based): chr16:67,647,862, C>T. VCF-style: chr16-67647862-C-T. GRCh37 (hg19) VCF-style: chr16-67681765-C-T.
Other names: c.975C>T, p.Gly325= (NM_001317026.3).
Identifiers: ClinVar variation 2415795 (VCV002415795.32), dbSNP rs769313219, ClinGen allele CA8113301.

ClinVar aggregate classification (germline): Likely benign. Review status: criteria provided, multiple submitters, no conflicts (2 of 4 stars). 3 submissions from 3 submitters: Likely benign (3). Last evaluated 2025-12-22.

Allele frequency attached by ClinVar (database versions not stated): gnomAD 0.00001; TOPMed 0.00001; ExAC 0.00002.
gnomAD v4.1: 17 of 1,609,514 alleles (0.0011%); highest among the groups gnomAD compares: Non-Finnish European, 0.0013%; no homozygotes.

Submissions (3):

Labcorp Genetics (formerly Invitae), Labcorp
Classification: Likely benign. Last evaluated: 2025-12-22. Review status: criteria provided, single submitter. Criteria: Invitae Variant Classification Sherloc (09022015). Collection method: clinical testing. Allele origin: germline.

Blueprint Genetics
Classification: Likely benign. Last evaluated: 2024-09-10. Review status: criteria provided, single submitter. Criteria: ACMG Guidelines, 2015. Collection method: clinical testing. Allele origin: germline.

CeGaT Center for Human Genetics Tuebingen
Classification: Likely benign. Last evaluated: 2023-10-01. Review status: criteria provided, single submitter. Criteria: CeGaT Center For Human Genetics Tuebingen Variant Classification Criteria Version 2. Collection method: clinical testing. Allele origin: germline. Affected: yes. Observed: 1 variant allele.
Comment: CARMIL2: BP4, BP7